The following is an entry in ClinVar:

ClinVar aggregate classification (germline): Uncertain significance (1 of 4 stars; one submission).

Conditions:
Tuberous sclerosis 2 (TSC2). Identifiers: Orphanet 805, MedGen C1860707, MONDO:0013199, OMIM 613254.

Submission:

Labcorp Genetics (formerly Invitae), Labcorp
Classification: Uncertain significance for Tuberous sclerosis 2. Last evaluated: 2024-03-26. Review status: criteria provided, single submitter. Criteria: Invitae Variant Classification Sherloc (09022015). Collection method: clinical testing. Allele origin: germline.
Comment: This sequence change replaces cysteine, which is neutral and slightly polar, with phenylalanine, which is neutral and non-polar, at codon 887 of the TSC2 protein (p.Cys887Phe). This variant is not present in population databases (gnomAD no frequency). This variant has not been reported in the literature in individuals affected with TSC2-related conditions. Advanced modeling of protein sequence and biophysical properties (such as structural, functional, and spatial information, amino acid conservation, physicochemical variation, residue mobility, and thermodynamic stability) performed at Invitae indicates that this missense variant is not expected to disrupt TSC2 protein function with a negative predictive value of 95%. In summary, the available evidence is currently insufficient to determine the role of this variant in disease. Therefore, it has been classified as a Variant of Uncertain Significance.

NM_000548.5(TSC2):c.2660G>T (p.Cys887Phe)

Gene: TSC2 (TSC complex subunit 2; plus strand). Cytogenetic location: 16p13.3.
Variant type: single nucleotide variant.
Coding change: c.2660G>T on transcript NM_000548.5 (MANE Select); coding-DNA position 2660, G replaced by T.
Protein change: p.Cys887Phe; replaces cysteine 887 with phenylalanine.
Molecular consequence: missense variant. On other transcripts: non-coding transcript variant (5).
Genome position (GRCh38, 1-based): chr16:2,076,088, G>T. VCF-style: chr16-2076088-G-T. GRCh37 (hg19) VCF-style: chr16-2126089-G-T.
Other names: c.2549G>T, p.Cys850Phe (NM_001406678.1, NM_001318827.2, NM_001406670.1); c.2513G>T, p.Cys838Phe (NM_001406679.1, NM_001318829.2, NM_001406675.1 and 1 more transcripts); c.2060G>T, p.Cys687Phe (NM_001406683.1, NM_001406684.1, NM_001406685.1 and 6 more transcripts); c.2198G>T, p.Cys733Phe (NM_001406681.1); c.2660G>T, p.Cys887Phe (NM_001077183.3, NM_001114382.3, NM_001363528.2 and 6 more transcripts); c.2693G>T, p.Cys898Phe (NM_001318832.2); c.2750G>T, p.Cys917Phe (NM_001406667.1, NM_001406668.1); c.2648G>T, p.Cys883Phe (NM_001406671.1, NM_001406673.1); and 3 more; short protein forms C687F, C838F, C887F, C353F, C439F, C883F, C898F, C733F.
Identifiers: ClinVar variation 3631824 (VCV003631824.2).